The following is an entry in ClinVar:

NM_000553.6(WRN):c.2635CTT[1] (p.Leu880del)

Gene: WRN (WRN RecQ like helicase; plus strand). Cytogenetic location: 8p12.
Variant type: Microsatellite.
Coding change: c.2635CTT[1] on transcript NM_000553.6 (MANE Select); one copy of the 3-base unit CTT starting at c.2635; the reference has two copies in a row; one copy, 3 bases deleted; also written c.2638_2640del.
Protein change: p.Leu880del; deletes leucine 880.
Molecular consequence: inframe deletion.
Genome position (GRCh38, 1-based): chr8:31,124,529-31,124,531, CTT deleted; deleting any 3 consecutive bases within chr8:31,124,526-31,124,531 gives the same sequence; the position shown is the placement nearest the transcript's 3' end. VCF-style (leftmost placement, unchanged base first): chr8-31124525-CCTT-C. GRCh37 (hg19) VCF-style: chr8-30982041-CCTT-C.
Other names: c.2638_2640del (NM_000553.4); short protein forms L880del.
Identifiers: ClinVar variation 528156 (VCV000528156.7), dbSNP rs749180567, ClinGen allele CA4704807.

ClinVar aggregate classification (germline): Uncertain significance (1 of 4 stars; one submission).

Conditions:
Werner syndrome (WRN). Identifiers: Orphanet 902, MedGen C0043119, MONDO:0010196, OMIM 277700.

Submission:

Labcorp Genetics (formerly Invitae), Labcorp
Classification: Uncertain significance for Werner syndrome. Last evaluated: 2025-07-21. Review status: criteria provided, single submitter. Criteria: Invitae Variant Classification Sherloc (09022015). Collection method: clinical testing. Allele origin: germline.
Comment: This variant, c.2638_2640del, results in the deletion of 1 amino acid(s) of the WRN protein (p.Leu880del), but otherwise preserves the integrity of the reading frame. This variant is present in population databases (rs749180567, gnomAD 0.003%). This variant has not been reported in the literature in individuals affected with WRN-related conditions. ClinVar contains an entry for this variant (Variation ID: 528156). Experimental studies and prediction algorithms are not available or were not evaluated, and the functional significance of this variant is currently unknown. In summary, the available evidence is currently insufficient to determine the role of this variant in disease. Therefore, it has been classified as a Variant of Uncertain Significance.